The following is an entry in ClinVar:

ClinVar aggregate classification (germline): Uncertain significance. Review status: criteria provided, multiple submitters, no conflicts (2 of 4 stars). 2 submissions from 2 submitters: Uncertain significance (2). Last evaluated 2026-03-22.

Conditions:
Familial thoracic aortic aneurysm and aortic dissection (TAAD). Also called: Thoracic aortic aneurysms and dissections. Identifiers: Orphanet 91387, MedGen C4707243, MONDO:0019625.

Submissions (2):

GeneDx
Classification: Uncertain significance. Last evaluated: 2026-03-22. Review status: criteria provided, single submitter. Criteria: GeneDx Variant Classification Process June 2021. Collection method: clinical testing. Allele origin: germline.
Comment: Not observed at significant frequency in large population cohorts (gnomAD); In silico analysis supports that this missense variant has a deleterious effect on protein structure/function; Has not been previously published as pathogenic or benign to our knowledge

Labcorp Genetics (formerly Invitae), Labcorp
Classification: Uncertain significance for Familial thoracic aortic aneurysm and aortic dissection. Last evaluated: 2022-02-22. Review status: criteria provided, single submitter. Criteria: Invitae Variant Classification Sherloc (09022015). Collection method: clinical testing. Allele origin: germline.
Comment: This variant has not been reported in the literature in individuals affected with SMAD3-related conditions. This sequence change replaces aspartic acid, which is acidic and polar, with glycine, which is neutral and non-polar, at codon 72 of the SMAD3 protein (p.Asp72Gly). This variant is not present in population databases (gnomAD no frequency). Algorithms developed to predict the effect of missense changes on protein structure and function are either unavailable or do not agree on the potential impact of this missense change (SIFT: "Not Available"; PolyPhen-2: "Benign"; Align-GVGD: "Not Available"). In summary, the available evidence is currently insufficient to determine the role of this variant in disease. Therefore, it has been classified as a Variant of Uncertain Significance.

NM_005902.4(SMAD3):c.215A>G (p.Asp72Gly)

Gene: SMAD3 (SMAD family member 3; plus strand). Cytogenetic location: 15q22.33.
Variant type: single nucleotide variant.
Coding change: c.215A>G on transcript NM_005902.4 (MANE Select); coding-DNA position 215, A replaced by G.
Protein change: p.Asp72Gly; replaces aspartic acid 72 with glycine.
Molecular consequence: missense variant. On other transcripts: 5 prime UTR variant (1).
Genome position (GRCh38, 1-based): chr15:67,164,903, A>G. VCF-style: chr15-67164903-A-G. GRCh37 (hg19) VCF-style: chr15-67457241-A-G.
Other names: c.-101A>G (NM_001145102.2, NM_001407015.1, NM_001407016.1); c.83A>G, p.Asp28Gly (NM_001145103.2); c.215A>G, p.Asp72Gly (NM_001407011.1, NM_001407012.1, NM_001407013.1); c.68A>G, p.Asp23Gly (NM_001407014.1); c.215A>G (NM_005902.3); short protein forms D28G, D23G, D72G.
Identifiers: ClinVar variation 2102248 (VCV002102248.5), dbSNP rs2140293657, ClinGen allele CA392953455.